The following is an entry in ClinVar:

ClinVar aggregate classification (germline): Uncertain significance. Review status: criteria provided, multiple submitters, no conflicts (2 of 4 stars). 2 submissions from 2 submitters: Uncertain significance (2). Last evaluated 2025-08-20.

Conditions:
Inborn genetic diseases. Identifiers: MedGen C0950123, MeSH D030342.
Cataract 38. Also called: Cataract, autosomal recessive congenital 5; Cataract 38, autosomal recessive. Identifiers: Orphanet 91492, MedGen C3553494, MONDO:0013859, OMIM 614691.
Sengers syndrome. Also called: MITOCHONDRIAL DNA DEPLETION SYNDROME 10 (CARDIOMYOPATHIC TYPE); Cardiomyopathy and cataract. Identifiers: Orphanet 1369, MedGen C1859317, MONDO:0008922, OMIM 212350.

Allele frequency attached by ClinVar (database versions not stated): gnomAD 0.00003; ExAC 0.00004; TOPMed 0.00004; gnomAD exomes 0.00007; ESP Exome Variant Server 0.00008.
gnomAD v4.1: 109 of 1,614,144 alleles (0.0068%); highest among the groups gnomAD compares: Non-Finnish European, 0.0086%; no homozygotes.

Submissions (2):

Ambry Genetics
Classification: Uncertain significance for Inborn genetic diseases. Last evaluated: 2025-08-20. Review status: criteria provided, single submitter. Criteria: Ambry Variant Classification Scheme 2023. Collection method: clinical testing. Allele origin: germline.

Labcorp Genetics (formerly Invitae), Labcorp
Classification: Uncertain significance for Sengers syndrome; Cataract 38. Last evaluated: 2022-01-12. Review status: criteria provided, single submitter. Criteria: Invitae Variant Classification Sherloc (09022015). Collection method: clinical testing. Allele origin: germline.
Comment: This sequence change replaces proline, which is neutral and non-polar, with leucine, which is neutral and non-polar, at codon 376 of the AGK protein (p.Pro376Leu). This variant is present in population databases (rs150893768, gnomAD 0.01%). In summary, the available evidence is currently insufficient to determine the role of this variant in disease. Therefore, it has been classified as a Variant of Uncertain Significance. Algorithms developed to predict the effect of missense changes on protein structure and function are either unavailable or do not agree on the potential impact of this missense change (SIFT: "Deleterious"; PolyPhen-2: "Probably Damaging"; Align-GVGD: "Class C0"). This variant has not been reported in the literature in individuals affected with AGK-related conditions.

NM_018238.4(AGK):c.1127C>T (p.Pro376Leu)

Gene: AGK (acylglycerol kinase; plus strand). Cytogenetic location: 7q34.
Variant type: single nucleotide variant.
Coding change: c.1127C>T on transcript NM_018238.4 (MANE Select); coding-DNA position 1127, C replaced by T.
Protein change: p.Pro376Leu; replaces proline 376 with leucine.
Molecular consequence: missense variant.
Genome position (GRCh38, 1-based): chr7:141,651,605, C>T. VCF-style: chr7-141651605-C-T. GRCh37 (hg19) VCF-style: chr7-141351405-C-T.
Other names: c.1127C>T (NM_018238.3); short protein forms P376L.
Identifiers: ClinVar variation 2200734 (VCV002200734.5), dbSNP rs150893768, ClinGen allele CA4517679.